The following is an entry in ClinVar:

ClinVar aggregate classification (germline): Uncertain significance. Review status: reviewed by expert panel (3 of 4 stars). 2 submissions from 2 submitters: Uncertain significance (1). 1 of the submissions does not count toward it. Last evaluated 2024-07-25.

Conditions:
Hereditary thrombocytopenia and hematologic cancer predisposition syndrome. Identifiers: Orphanet 71290, MedGen CN281654, MONDO:0011071.
Thrombocytopenia. Identifiers: MedGen C0040034, MeSH D013921, MONDO:0002049, HP:0001873.

Submissions (2):

ClinGen Myeloid Malignancy Variant Curation Expert Panel
Classification: Uncertain significance for Hereditary thrombocytopenia and hematologic cancer predisposition syndrome. Last evaluated: 2024-07-25. Review status: reviewed by expert panel. Criteria: ClinGen MyeloMalig ACMG Specifications v2. Collection method: curation. Allele origin: germline. Inheritance: Autosomal dominant inheritance.
Comment: NM_001754.5(RUNX1):c.578T>A (p.Ile193Asn) is a missense variant which resides within a region, amino acids 89-204, of RUNX1 that is defined as a critical functional domain by the ClinGen MM-VCEP (PM1_supporting). This variant is absent from gnomAD v2, v3, and v4 with at least 20x coverage (PM2_supporting). In addition, the variant has been reported in 1/2396 patients undergoing testing with the ThromboGenomics HTS panel (PMID: 31064749) and 1/3323 treatment-naïve MDS patients from the International Working Group for the prognosis of Myelodysplastic Syndromes (- Papaemmanuil Lab, 2022), but germline origin could not be confirmed in these individuals. The computational predictor REVEL gives a score of 0.962, which is above the threshold of 0.88 (evidence that correlates with impact to RUNX1 function), and the splice site predictor SpliceAI indicated that the variant has no impact on splicing (PP3). In summary, the clinical significance of this variant is uncertain. ACMG/AMP criteria applied, as specified by the Myeloid Malignancy Variant Curation Expert Panel for RUNX1: PS4_supporting, PM1_supporting, PM2_supporting, PP3.

NIHR Bioresource Rare Diseases, University of Cambridge
Classification: Likely pathogenic for Thrombocytopenia. Last evaluated: 2019-02-01. Review status: criteria provided, single submitter. Criteria: ACMG Guidelines, 2015. Collection method: research. Allele origin: unknown. Affected: yes. Observed: 1 heterozygote. Study: ThromboGenomics. Not counted in ClinVar's aggregate classification.

Literature cited by the submitters: PubMed 31064749 (cited by NIHR Bioresource Rare Diseases, University of Cambridge).

NM_001754.5(RUNX1):c.578T>A (p.Ile193Asn)

Genes: RUNX1 (RUNX family transcription factor 1; minus strand), RUNX1-AS1 (RUNX1 antisense RNA 1; plus strand). Cytogenetic location: 21q22.12.
Variant type: single nucleotide variant.
Coding change: c.578T>A on transcript NM_001754.5 (MANE Select); coding-DNA position 578, T replaced by A.
Protein change: p.Ile193Asn; replaces isoleucine 193 with asparagine.
Molecular consequence: missense variant.
Genome position (GRCh38, 1-based): chr21:34,859,509, A>T on the plus strand (T>A on the coding strand, the complement: RUNX1 is on the minus strand). VCF-style: chr21-34859509-A-T. GRCh37 (hg19) VCF-style: chr21-36231806-A-T.
Other names: NM_001754.5(RUNX1):c.578T>A; p.Ile193Asn; c.497T>A, p.Ile166Asn (NM_001001890.3, NM_001122607.2); short protein forms I193N, I166N.
Identifiers: ClinVar variation 627100 (VCV000627100.3), dbSNP rs1601470652, ClinGen allele CA410208006.